The following is an entry in ClinVar:

ClinVar aggregate classification (germline): Conflicting classifications of pathogenicity. Review status: criteria provided, conflicting classifications (1 of 4 stars). 3 submissions from 3 submitters: Uncertain significance (1); Likely benign (2). Last evaluated 2025-12-13.

Conditions:
Melnick-Needles syndrome (MNS). Also called: MELNICK-NEEDLES OSTEODYSPLASTY; OSTEODYSPLASTY OF MELNICK AND NEEDLES; Melnick-Needles Syndrome (FLNA-MNS). Identifiers: Orphanet 2484, MedGen C0025237, MONDO:0010650, OMIM 309350.
Frontometaphyseal dysplasia (FMD1). Identifiers: Orphanet 1826, MedGen C0265293, MONDO:0015942.
Heterotopia, periventricular, X-linked dominant (PVNH1). Also called: PERIVENTRICULAR NODULAR HETEROTOPIA 1; PERIVENTRICULAR NODULAR HETEROTOPIA 4; HETEROTOPIA, PERIVENTRICULAR, 1; X-linked periventricular heterotopia. Identifiers: Orphanet 2149, Orphanet 82004, MedGen C1848213, MONDO:0010233, OMIM 300049.
Oto-palato-digital syndrome, type II (OPD2). Also called: FACIOPALATOOSSEOUS SYNDROME; OPD II SYNDROME; Otopalatodigital Syndrome, Type II; Otopalatodigital Syndrome Type 2 (FLNA-OPD2). Identifiers: Orphanet 669, Orphanet 90652, MedGen C1844696, MONDO:0010571, OMIM 304120.
FLNA-related disorder.

Allele frequency attached by ClinVar (database versions not stated): TOPMed 0.00002; ExAC 0.00003; gnomAD 0.00003 and 0.00004; gnomAD exomes 0.00003 and 0.00005.
gnomAD v4.1: 16 of 1,209,482 alleles (0.0013%); highest among the groups gnomAD compares: Admixed American, 0.035%; no homozygotes.

Submissions (3):

Labcorp Genetics (formerly Invitae), Labcorp
Classification: Likely benign for Oto-palato-digital syndrome, type II; Heterotopia, periventricular, X-linked dominant; Frontometaphyseal dysplasia; Melnick-Needles syndrome. Last evaluated: 2025-12-13. Review status: criteria provided, single submitter. Criteria: Invitae Variant Classification Sherloc (09022015). Collection method: clinical testing. Allele origin: germline.

PreventionGenetics, part of Exact Sciences
Classification: Likely benign for FLNA-related condition. Last evaluated: 2025-07-15. Review status: criteria provided, single submitter. Criteria: ACMG Guidelines, 2015. Collection method: clinical testing. Allele origin: germline.
Comment: This variant is classified as likely benign based on ACMG/AMP sequence variant interpretation guidelines (Richards et al. 2015 PMID: 25741868, with internal and published modifications).

Eurofins Ntd Llc (ga)
Classification: Uncertain significance. Last evaluated: 2015-07-24. Review status: criteria provided, single submitter. Criteria: EGL Classification Definitions 2015. Collection method: clinical testing. Allele origin: germline. Observed: 1 variant allele, 1 heterozygote.

NM_001110556.2(FLNA):c.627G>A (p.Leu209=)

Gene: FLNA (filamin A; minus strand). Cytogenetic location: Xq28.
Variant type: single nucleotide variant.
Coding change: c.627G>A on transcript NM_001110556.2 (MANE Select); coding-DNA position 627, G replaced by A.
Protein change: p.Leu209=; no amino-acid change (leucine 209 retained).
Molecular consequence: synonymous variant.
Genome position (GRCh38, 1-based): chrX:154,367,734, C>T on the plus strand (G>A on the coding strand, the complement: FLNA is on the minus strand). VCF-style: chrX-154367734-C-T. GRCh37 (hg19) VCF-style: chrX-153596102-C-T.
Other names: c.627G>A (NM_001110556.1); c.627G>A, p.Leu209= (NM_001456.4).
Identifiers: ClinVar variation 282027 (VCV000282027.14), dbSNP rs782118838, ClinGen allele CA10561383.
Genomic context (GRCh38, chrX:154,367,734, plus strand): 5'-CATGGCCTCTCGCGCATTGGTAACGGGCTTGCTGGCGTCCCAAGAGTCCCAGTCAGGACA[C>T]AGGCCTGTGGCGCAAGGGAGGCTGTGAGTCTGGGGGCCGCAGAACCCCCTCAAGGGCCAC-3'
Protein context (NP_001104026.1, residues 199-219): GALVDSCAPG[Leu209=]CPDWDSWDAS